The following is an entry in ClinVar:

NM_017780.4(CHD7):c.3395T>A (p.Leu1132Gln)

Gene: CHD7 (chromodomain helicase DNA binding protein 7; plus strand). Cytogenetic location: 8q12.2.
Variant type: single nucleotide variant.
Coding change: c.3395T>A on transcript NM_017780.4 (MANE Select); coding-DNA position 3395, T replaced by A.
Protein change: p.Leu1132Gln; replaces leucine 1132 with glutamine.
Molecular consequence: missense variant. On other transcripts: intron variant (1).
Genome position (GRCh38, 1-based): chr8:60,828,679, T>A. VCF-style: chr8-60828679-T-A. GRCh37 (hg19) VCF-style: chr8-61741238-T-A.
Other names: c.1717-33550T>A (NM_001316690.1); short protein forms L1132Q.
Identifiers: ClinVar variation 2013372 (VCV002013372.4), dbSNP rs2487843551, ClinGen allele CA371314144.

ClinVar aggregate classification (germline): Uncertain significance (1 of 4 stars; one submission).

Conditions:
CHARGE syndrome (CHARGE). Also called: Hittner Hirsch Kreh syndrome; CHARGE ASSOCIATION--COLOBOMA, HEART ANOMALY, CHOANAL ATRESIA, RETARDATION, GENITAL AND EAR ANOMALIES; Coloboma, heart anomaly, choanal atresia, retardation, genital and ear anomalies; CHARGE association; Hall-Hittner syndrome. Identifiers: Orphanet 138, MedGen C0265354, MONDO:0008965.

Submission:

Labcorp Genetics (formerly Invitae), Labcorp
Classification: Uncertain significance for CHARGE syndrome. Last evaluated: 2022-07-03. Review status: criteria provided, single submitter. Criteria: Invitae Variant Classification Sherloc (09022015). Collection method: clinical testing. Allele origin: germline.
Comment: This variant is not present in population databases (gnomAD no frequency). In summary, the available evidence is currently insufficient to determine the role of this variant in disease. Therefore, it has been classified as a Variant of Uncertain Significance. Advanced modeling of protein sequence and biophysical properties (such as structural, functional, and spatial information, amino acid conservation, physicochemical variation, residue mobility, and thermodynamic stability) performed at Invitae indicates that this missense variant is expected to disrupt CHD7 protein function. This variant has not been reported in the literature in individuals affected with CHD7-related conditions. This sequence change replaces leucine, which is neutral and non-polar, with glutamine, which is neutral and polar, at codon 1132 of the CHD7 protein (p.Leu1132Gln).